The following is an entry in ClinVar:

ClinVar aggregate classification (germline): Conflicting classifications of pathogenicity. Review status: criteria provided, conflicting classifications (1 of 4 stars). 4 submissions from 4 submitters: Uncertain significance (3); Benign (1). Last evaluated 2025-09-09.

Conditions:
Hereditary cancer-predisposing syndrome. Also called: Hereditary neoplastic syndrome; Hereditary Cancer Syndrome; Neoplastic Syndromes, Hereditary; Tumor predisposition. Identifiers: Orphanet 140162, MedGen C0027672, MeSH D009386, MONDO:0015356.
Familial adenomatous polyposis 2. Also called: MYH-associated polyposis; COLORECTAL ADENOMATOUS POLYPOSIS, AUTOSOMAL RECESSIVE; ADENOMAS, MULTIPLE COLORECTAL, AUTOSOMAL RECESSIVE; MUTYH-related attenuated familial adenomatous polyposis; Adenomas, multiple colorectal; FAP type 2. Identifiers: Orphanet 220460, Orphanet 247798, MedGen C3272841, MONDO:0012041, OMIM 608456.

Allele frequency attached by ClinVar (database versions not stated): gnomAD exomes below 0.00001; ExAC 0.00001.
gnomAD v4.1: 3 of 1,614,182 alleles (0.00019%); highest among the groups gnomAD compares: Non-Finnish European, 0.00025%; no homozygotes.

Submissions (4):

Ambry Genetics
Classification: Benign for Hereditary cancer-predisposing syndrome. Last evaluated: 2025-09-09. Review status: criteria provided, single submitter. Criteria: Ambry Variant Classification Scheme 2023. Collection method: clinical testing. Allele origin: germline.

Labcorp Genetics (formerly Invitae), Labcorp
Classification: Uncertain significance for Familial adenomatous polyposis 2. Last evaluated: 2024-05-21. Review status: criteria provided, single submitter. Criteria: Invitae Variant Classification Sherloc (09022015). Collection method: clinical testing. Allele origin: germline.
Comment: This sequence change replaces isoleucine, which is neutral and non-polar, with valine, which is neutral and non-polar, at codon 537 of the MUTYH protein (p.Ile537Val). This variant is present in population databases (rs757615745, gnomAD 0.0009%). This missense change has been observed in individual(s) with adenomatous polyposis (PMID: 17949294). This variant is also known as c.1567G>A (p.Ile523Val). ClinVar contains an entry for this variant (Variation ID: 479985). Algorithms developed to predict the effect of missense changes on protein structure and function output the following: SIFT: "Not Available"; PolyPhen-2: "Benign"; Align-GVGD: "Not Available". The valine amino acid residue is found in multiple mammalian species, which suggests that this missense change does not adversely affect protein function. In summary, the available evidence is currently insufficient to determine the role of this variant in disease. Therefore, it has been classified as a Variant of Uncertain Significance.

All of Us Research Program, National Institutes of Health
Classification: Uncertain significance for Familial adenomatous polyposis 2. Last evaluated: 2023-12-01. Review status: criteria provided, single submitter. Criteria: ACMG Guidelines, 2015. Collection method: clinical testing. Allele origin: germline. Inheritance: Autosomal recessive inheritance. Observed: 1 variant allele, 1 heterozygote.
Comment: This study involves interpretation of variants in research participants for the purpose of population health screening. Participant phenotype was not available at the time of variant classification. Additional details can be found in publication PMID: 35346344, PMCID: PMC8962531

Color Diagnostics, LLC DBA Color Health
Classification: Uncertain significance for Hereditary cancer-predisposing syndrome. Last evaluated: 2019-06-13. Review status: criteria provided, single submitter. Criteria: ACMG Guidelines, 2015. Collection method: clinical testing. Allele origin: germline.

Literature cited by the submitters: PubMed 17949294 (cited by Ambry Genetics and Labcorp Genetics (formerly Invitae), Labcorp).

NM_001048174.2(MUTYH):c.1525A>G (p.Ile509Val)

Gene: MUTYH (mutY DNA glycosylase; minus strand). Cytogenetic location: 1p34.1.
Variant type: single nucleotide variant.
Coding change: c.1525A>G on transcript NM_001048174.2 (MANE Select); coding-DNA position 1525, A replaced by G.
Protein change: p.Ile509Val; replaces isoleucine 509 with valine.
Molecular consequence: missense variant. On other transcripts: non-coding transcript variant (2).
Genome position (GRCh38, 1-based): chr1:45,329,347, T>C on the plus strand (A>G on the coding strand, the complement: MUTYH is on the minus strand). VCF-style: chr1-45329347-T-C. GRCh37 (hg19) VCF-style: chr1-45795019-T-C.
Other names: c.1525A>G, p.Ile509Val (NM_001048171.2, NM_001048173.2, NM_001293195.2); c.1528A>G, p.Ile510Val (NM_001048172.2); c.1609A>G, p.Ile537Val (NM_001128425.2); c.1570A>G, p.Ile524Val (NM_001293190.2); c.1558A>G, p.Ile520Val (NM_001293191.2); c.1249A>G, p.Ile417Val (NM_001293192.2, NM_001293196.2); c.1180A>G, p.Ile394Val (NM_001350650.2, NM_001350651.2); c.1600A>G, p.Ile534Val (NM_012222.3); short protein forms I537V, I524V, I510V, I520V, I534V, I394V, I417V, I509V.
Identifiers: ClinVar variation 479985 (VCV000479985.19), dbSNP rs757615745, ClinGen allele CA057069.
Genomic context (GRCh38, chr1:45,329,347, plus strand): 5'-ATGGGGGCTTTCAGAGGTGTCACTGGGCTGCACTGTTGAGGCTGTGTGCATCAGTGGAGA[T>C]GTGAGACCGAAAGAAATTATCCAGGACTTGCTGGCCCATGCGGGGCTTTTTCCGACTGCA-3'
Protein context (NP_001041639.1, residues 499-519): QVLDNFFRSH[Ile509Val]STDAHSLNSA